The following is an entry in ClinVar:

ClinVar aggregate classification (germline): Uncertain significance. Review status: criteria provided, multiple submitters, no conflicts (2 of 4 stars). 2 submissions from 2 submitters: Uncertain significance (2). Last evaluated 2025-09-25.

Conditions:
Inborn genetic diseases. Identifiers: MedGen C0950123, MeSH D030342.

Allele frequency attached by ClinVar (database versions not stated): gnomAD 0.00001.
gnomAD v4.1: 4 of 1,439,296 alleles (0.00028%); highest among the groups gnomAD compares: Admixed American, 0.0026%; no homozygotes.

Submissions (2):

Ambry Genetics
Classification: Uncertain significance for Inborn genetic diseases. Last evaluated: 2025-09-25. Review status: criteria provided, single submitter. Criteria: Ambry Variant Classification Scheme 2023. Collection method: clinical testing. Allele origin: germline.

Labcorp Genetics (formerly Invitae), Labcorp
Classification: Uncertain significance. Last evaluated: 2022-08-16. Review status: criteria provided, single submitter. Criteria: Invitae Variant Classification Sherloc (09022015). Collection method: clinical testing. Allele origin: germline.
Comment: This sequence change replaces alanine, which is neutral and non-polar, with glycine, which is neutral and non-polar, at codon 147 of the HMX1 protein (p.Ala147Gly). This variant is not present in population databases (gnomAD no frequency). This variant has not been reported in the literature in individuals affected with HMX1-related conditions. ClinVar contains an entry for this variant (Variation ID: 1462671). Algorithms developed to predict the effect of missense changes on protein structure and function are either unavailable or do not agree on the potential impact of this missense change (SIFT: "Tolerated"; PolyPhen-2: "Possibly Damaging"; Align-GVGD: "Class C0"). In summary, the available evidence is currently insufficient to determine the role of this variant in disease. Therefore, it has been classified as a Variant of Uncertain Significance.

NM_018942.3(HMX1):c.440C>G (p.Ala147Gly)

Gene: HMX1 (H6 family homeobox 1; minus strand). Cytogenetic location: 4p16.1.
Variant type: single nucleotide variant.
Coding change: c.440C>G on transcript NM_018942.3 (MANE Select); coding-DNA position 440, C replaced by G.
Protein change: p.Ala147Gly; replaces alanine 147 with glycine.
Molecular consequence: missense variant. On other transcripts: intron variant (1).
Genome position (GRCh38, 1-based): chr4:8,868,300, G>C on the plus strand (C>G on the coding strand, the complement: HMX1 is on the minus strand). VCF-style: chr4-8868300-G-C. GRCh37 (hg19) VCF-style: chr4-8870026-G-C.
Other names: c.394+2921C>G (NM_001306142.2); c.440C>G (NM_018942.2); short protein forms A147G.
Identifiers: ClinVar variation 1462671 (VCV001462671.4), dbSNP rs1434976169, ClinGen allele CA356278607.